The following is an entry in ClinVar:

NM_024537.4(CARS2):c.566C>T (p.Ala189Val)

Gene: CARS2 (cysteinyl-tRNA synthetase 2, mitochondrial; minus strand). Cytogenetic location: 13q34.
Variant type: single nucleotide variant.
Coding change: c.566C>T on transcript NM_024537.4 (MANE Select); coding-DNA position 566, C replaced by T.
Protein change: p.Ala189Val; replaces alanine 189 with valine.
Molecular consequence: missense variant. On other transcripts: 5 prime UTR variant (1), non-coding transcript variant (2).
Genome position (GRCh38, 1-based): chr13:110,687,726, G>A on the plus strand (C>T on the coding strand, the complement: CARS2 is on the minus strand). VCF-style: chr13-110687726-G-A. GRCh37 (hg19) VCF-style: chr13-111340073-G-A.
Other names: c.-434C>T (NM_001352252.2); c.566C>T, p.Ala189Val (NM_001352253.3); short protein forms A189V.
Identifiers: ClinVar variation 1394049 (VCV001394049.6), dbSNP rs1456864472, ClinGen allele CA388738045.

ClinVar aggregate classification (germline): Uncertain significance (1 of 4 stars; one submission).

Conditions:
Combined oxidative phosphorylation defect type 27. Also called: Combined oxidative phosphorylation deficiency 27. Identifiers: Orphanet 477774, MedGen C5567608, MONDO:0014728, OMIM 616672.

Allele frequency attached by ClinVar (database versions not stated): TOPMed 0.00001.

Submission:

Labcorp Genetics (formerly Invitae), Labcorp
Classification: Uncertain significance for Combined oxidative phosphorylation defect type 27. Last evaluated: 2021-11-19. Review status: criteria provided, single submitter. Criteria: Invitae Variant Classification Sherloc (09022015). Collection method: clinical testing. Allele origin: germline.
Comment: In summary, the available evidence is currently insufficient to determine the role of this variant in disease. Therefore, it has been classified as a Variant of Uncertain Significance. Algorithms developed to predict the effect of sequence changes on RNA splicing suggest that this variant may create or strengthen a splice site. Algorithms developed to predict the effect of missense changes on protein structure and function (SIFT, PolyPhen-2, Align-GVGD) all suggest that this variant is likely to be tolerated. This variant has not been reported in the literature in individuals affected with CARS2-related conditions. This variant is not present in population databases (gnomAD no frequency). This sequence change replaces alanine, which is neutral and non-polar, with valine, which is neutral and non-polar, at codon 189 of the CARS2 protein (p.Ala189Val).